The following is an entry in ClinVar:

NM_000051.4(ATM):c.8873_8874dup (p.Asp2959fs)

Genes: ATM (ATM serine/threonine kinase; plus strand), C11orf65 (chromosome 11 open reading frame 65; minus strand). Cytogenetic location: 11q22.3.
Variant type: Duplication.
Coding change: c.8873_8874dup on transcript NM_000051.4 (MANE Select); coding-DNA positions 8873 to 8874, 2 bases duplicated (TT; older notation c.8873_8874dupTT).
Protein change: p.Asp2959fs; shifts the reading frame from aspartic acid 2959.
Molecular consequence: frameshift variant. On other transcripts: intron variant (2).
Genome position (GRCh38, 1-based): chr11:108,365,104-108,365,105, TT duplicated; duplicating any 2 consecutive bases within chr11:108,365,103-108,365,105 gives the same sequence; the c. name uses the placement nearest the transcript's 3' end. VCF-style (leftmost placement, unchanged base first): chr11-108365102-C-CTT. GRCh37 (hg19) VCF-style: chr11-108235829-C-CTT.
Other names: c.8873_8874dup, p.Asp2959fs (NM_001351834.2); c.640+20816_640+20817dup (NM_001330368.2); c.694+20816_694+20817dup (NM_001351110.2); short protein forms D2959fs.
Identifiers: ClinVar variation 4814902 (VCV004814902.1).

ClinVar aggregate classification (germline): Likely pathogenic (1 of 4 stars; one submission).

Conditions:
Ataxia-telangiectasia syndrome (AT). Also called: LOUIS-BAR SYNDROME; Cerebello-oculocutaneous telangiectasia; Immunodeficiency with ataxia telangiectasia; Ataxia-telangiectasia, complementation group D; AT, COMPLEMENTATION GROUP C; ATAXIA-TELANGIECTASIA, COMPLEMENTATION GROUP A. Identifiers: Orphanet 100, MedGen C0004135, MONDO:0008840, OMIM 208900.

Submission:

Natera, Inc.
Classification: Likely pathogenic for Ataxia-telangiectasia. Last evaluated: 2025-12-18. Review status: criteria provided, single submitter. Criteria: Natera Variant Classification Schema (03/2026). Collection method: clinical testing. Allele origin: germline.
Comment: The c.8873_8874dup variant in ATM is a frameshift variant predicted to shift the reading frame beginning at codon 2959 and leads to a stop codon 5 codons downstream. This variant is expected to result in nonsense mediated decay, truncation, or a dysfunctional protein product. This variant is rare in the general population with a frequency below the threshold expected for the associated phenotype(s). Given the available evidence, this variant is classified as Likely Pathogenic.